The following is an entry in ClinVar:

ClinVar aggregate classification (germline): Uncertain significance (1 of 4 stars; one submission).

Conditions:
Deficiency of aromatic-L-amino-acid decarboxylase. Also called: DDC DEFICIENCY; DOPA DECARBOXYLASE DEFICIENCY; Aromatic amino acid decarboxylase deficiency; Aromatic L-Amino Acid Decarboxylase Deficiency; AADC DEFICIENCY. Identifiers: Orphanet 35708, MedGen C1291564, MONDO:0012084, OMIM 608643.

Allele frequency attached by ClinVar (database versions not stated): gnomAD exomes below 0.00001; TOPMed below 0.00001; ExAC 0.00001.
gnomAD v4.1: 2 of 1,614,174 alleles (0.00012%); highest among the groups gnomAD compares: African/African-American, 0.0013%; no homozygotes.

Submission:

Labcorp Genetics (formerly Invitae), Labcorp
Classification: Uncertain significance for Deficiency of aromatic-L-amino-acid decarboxylase. Last evaluated: 2024-09-27. Review status: criteria provided, single submitter. Criteria: Invitae Variant Classification Sherloc (09022015). Collection method: clinical testing. Allele origin: germline.
Comment: This sequence change falls in intron 4 of the DDC gene. It does not directly change the encoded amino acid sequence of the DDC protein. It affects a nucleotide within the consensus splice site. This variant is present in population databases (rs749195794, gnomAD 0.007%). This variant has not been reported in the literature in individuals affected with DDC-related conditions. ClinVar contains an entry for this variant (Variation ID: 1510433). Variants that disrupt the consensus splice site are a relatively common cause of aberrant splicing (PMID: 17576681, 9536098). Algorithms developed to predict the effect of sequence changes on RNA splicing suggest that this variant is not likely to affect RNA splicing. In summary, the available evidence is currently insufficient to determine the role of this variant in disease. Therefore, it has been classified as a Variant of Uncertain Significance.

Literature cited by the submitters: PubMed 17576681; PubMed 9536098.

NM_001082971.2(DDC):c.435+5G>T

Genes: DDC (dopa decarboxylase; minus strand), DDC-AS1 (DDC antisense RNA 1; plus strand). Cytogenetic location: 7p12.1.
Variant type: single nucleotide variant.
Coding change: c.435+5G>T on transcript NM_001082971.2 (MANE Select); 5 bases into the intron after coding-DNA position 435, G replaced by T.
Molecular consequence: intron variant.
Genome position (GRCh38, 1-based): chr7:50,537,855, C>A on the plus strand (G>T on the coding strand, the complement: DDC is on the minus strand). VCF-style: chr7-50537855-C-A. GRCh37 (hg19) VCF-style: chr7-50605553-C-A.
Other names: c.201+6030G>T (NM_001242888.2); c.321+5G>T (NM_001242886.2); c.435+5G>T (NM_001242889.2, NM_001242887.2, NM_000790.4 and 1 more transcripts).
Identifiers: ClinVar variation 1510433 (VCV001510433.6), dbSNP rs749195794, ClinGen allele CA4262382.